The following is an entry in ClinVar:

ClinVar aggregate classification (germline): Uncertain significance. Review status: criteria provided, multiple submitters, no conflicts (2 of 4 stars). 4 submissions from 4 submitters: Uncertain significance (4). Last evaluated 2025-08-06.

Conditions:
Inborn genetic diseases. Identifiers: MedGen C0950123, MeSH D030342.
Epidermolysis bullosa simplex 5B, with muscular dystrophy (EBS5B). Also called: EPIDERMOLYSIS BULLOSA SIMPLEX AND LIMB-GIRDLE MUSCULAR DYSTROPHY; Epidermolysis bullosa simplex with muscular dystrophy. Identifiers: Orphanet 257, MedGen C2931072, MONDO:0009181, OMIM 226670.
Epidermolysis bullosa simplex, Ogna type (EBS5A). Also called: Pidermolysis bullosa simplex 5A, Ogna type; EPIDERMOLYSIS BULLOSA SIMPLEX 5A, OGNA TYPE. Identifiers: Orphanet 79401, MedGen C0432317, MONDO:0007555, OMIM 131950.
Autosomal recessive limb-girdle muscular dystrophy type 2Q (LGMDR17). Also called: MUSCULAR DYSTROPHY, LIMB-GIRDLE, AUTOSOMAL RECESSIVE 17. Identifiers: Orphanet 254361, MedGen C3150989, MONDO:0013390, OMIM 613723.
Epidermolysis bullosa simplex 5C, with pyloric atresia (EBS5C). Also called: Epidermolysis bullosa simplex with pyloric atresia; PLEC1-Related Epidermolysis Bullosa with Pyloric Atresia; PLEC-Related Epidermolysis Bullosa with Pyloric Atresia. Identifiers: Orphanet 158684, MedGen C2677349, MONDO:0012807, OMIM 612138.
Epidermolysis bullosa simplex with nail dystrophy (EBS5D). Identifiers: MedGen C4225309, MONDO:0014661, OMIM 616487.

Allele frequency attached by ClinVar (database versions not stated): gnomAD exomes 0.00002; ExAC 0.00003; TOPMed 0.00003; gnomAD 0.00004 and 0.00005; ESP Exome Variant Server 0.00008.

Submissions (4):

Ambry Genetics
Classification: Uncertain significance for Inborn genetic diseases. Last evaluated: 2025-08-06. Review status: criteria provided, single submitter. Criteria: Ambry Variant Classification Scheme 2023. Collection method: clinical testing. Allele origin: germline.

Labcorp Genetics (formerly Invitae), Labcorp
Classification: Uncertain significance for Autosomal recessive limb-girdle muscular dystrophy type 2Q; Epidermolysis bullosa simplex, Ogna type; Epidermolysis bullosa simplex with nail dystrophy; Epidermolysis bullosa simplex 5C, with pyloric atresia; Epidermolysis bullosa simplex 5B, with muscular dystrophy. Last evaluated: 2025-06-22. Review status: criteria provided, single submitter. Criteria: Invitae Variant Classification Sherloc (09022015). Collection method: clinical testing. Allele origin: germline.
Comment: This sequence change replaces arginine, which is basic and polar, with cysteine, which is neutral and slightly polar, at codon 140 of the PLEC protein (p.Arg140Cys). This variant is present in population databases (rs370564188, gnomAD 0.006%). This variant has not been reported in the literature in individuals affected with PLEC-related conditions. ClinVar contains an entry for this variant (Variation ID: 500913). Invitae Evidence Modeling of protein sequence and biophysical properties (such as structural, functional, and spatial information, amino acid conservation, physicochemical variation, residue mobility, and thermodynamic stability) has been performed for this missense variant. However, the output from this modeling did not meet the statistical confidence thresholds required to predict the impact of this variant on PLEC protein function. In summary, the available evidence is currently insufficient to determine the role of this variant in disease. Therefore, it has been classified as a Variant of Uncertain Significance.

GeneDx
Classification: Uncertain significance. Last evaluated: 2019-07-26. Review status: criteria provided, single submitter. Criteria: GeneDx Variant Classification Process June 2021. Collection method: clinical testing. Allele origin: germline. Affected: yes.
Comment: In silico analysis, which includes protein predictors and evolutionary conservation, supports a deleterious effect; Missense variant in a gene in which most reported pathogenic variants are truncating/loss-of-function; Has not been previously published as pathogenic or benign to our knowledge

Eurofins Ntd Llc (ga)
Classification: Uncertain significance. Last evaluated: 2017-03-23. Review status: criteria provided, single submitter. Criteria: EGL Classification Definitions 2015. Collection method: clinical testing. Allele origin: germline. Observed: 1 variant allele, 1 heterozygote.

NM_201384.3(PLEC):c.337C>T (p.Arg113Cys)

Gene: PLEC (plectin; minus strand). Cytogenetic location: 8q24.3.
Variant type: single nucleotide variant.
Coding change: c.337C>T on transcript NM_201384.3 (MANE Select); coding-DNA position 337, C replaced by T.
Protein change: p.Arg113Cys; replaces arginine 113 with cysteine.
Molecular consequence: missense variant.
Genome position (GRCh38, 1-based): chr8:143,937,170, G>A on the plus strand (C>T on the coding strand, the complement: PLEC is on the minus strand). VCF-style: chr8-143937170-G-A. GRCh37 (hg19) VCF-style: chr8-145011338-G-A.
Other names: c.418C>T, p.Arg140Cys (NM_000445.5); c.295C>T, p.Arg99Cys (NM_201378.4); c.271C>T, p.Arg91Cys (NM_201379.3); c.748C>T, p.Arg250Cys (NM_201380.4); c.241C>T, p.Arg81Cys (NM_201381.3); c.337C>T, p.Arg113Cys (NM_201382.4); c.349C>T, p.Arg117Cys (NM_201383.3); short protein forms R113C, R117C, R140C, R250C, R81C, R91C, R99C.
Identifiers: ClinVar variation 500913 (VCV000500913.14), dbSNP rs370564188, ClinGen allele CA4928494.